The following is an entry in ClinVar:

ClinVar aggregate classification (germline): Uncertain significance (1 of 4 stars; one submission).

Conditions:
KBG syndrome (KBGS). Also called: ANKRD11-Related KBG Syndrome. Identifiers: Orphanet 2332, MedGen C0220687, MONDO:0007846, OMIM 148050.

Submission:

Labcorp Genetics (formerly Invitae), Labcorp
Classification: Uncertain significance for KBG syndrome. Last evaluated: 2025-08-04. Review status: criteria provided, single submitter. Criteria: Invitae Variant Classification Sherloc (09022015). Collection method: clinical testing. Allele origin: germline.
Comment: This sequence change replaces proline, which is neutral and non-polar, with arginine, which is basic and polar, at codon 2324 of the ANKRD11 protein (p.Pro2324Arg). This variant is not present in population databases (gnomAD no frequency). This variant has not been reported in the literature in individuals affected with ANKRD11-related conditions. Invitae Evidence Modeling of protein sequence and biophysical properties (such as structural, functional, and spatial information, amino acid conservation, physicochemical variation, residue mobility, and thermodynamic stability) indicates that this missense variant is not expected to disrupt ANKRD11 protein function with a negative predictive value of 95%. In summary, the available evidence is currently insufficient to determine the role of this variant in disease. Therefore, it has been classified as a Variant of Uncertain Significance.

NM_013275.6(ANKRD11):c.6971C>G (p.Pro2324Arg)

Gene: ANKRD11 (ankyrin repeat domain 11; minus strand). Cytogenetic location: 16q24.3.
Variant type: single nucleotide variant.
Coding change: c.6971C>G on transcript NM_013275.6 (MANE Select); coding-DNA position 6971, C replaced by G.
Protein change: p.Pro2324Arg; replaces proline 2324 with arginine.
Molecular consequence: missense variant.
Genome position (GRCh38, 1-based): chr16:89,279,571, G>C on the plus strand (C>G on the coding strand, the complement: ANKRD11 is on the minus strand). VCF-style: chr16-89279571-G-C. GRCh37 (hg19) VCF-style: chr16-89345979-G-C.
Other names: c.6971C>G, p.Pro2324Arg (NM_001256182.2, NM_001256183.2); short protein forms P2324R.
Identifiers: ClinVar variation 4802787 (VCV004802787.1).